The following is an entry in ClinVar:

NM_014516.4(CNOT3):c.1166G>A (p.Arg389Gln)

Gene: CNOT3 (CCR4-NOT transcription complex subunit 3; plus strand). Cytogenetic location: 19q13.42.
Variant type: single nucleotide variant.
Coding change: c.1166G>A on transcript NM_014516.4 (MANE Select); coding-DNA position 1166, G replaced by A.
Protein change: p.Arg389Gln; replaces arginine 389 with glutamine.
Molecular consequence: missense variant.
Genome position (GRCh38, 1-based): chr19:54,148,419, G>A. VCF-style: chr19-54148419-G-A. GRCh37 (hg19) VCF-style: chr19-54652154-G-A.
Other names: short protein forms R389Q.
Identifiers: ClinVar variation 3901909 (VCV003901909.1).
Genomic context (GRCh38, chr19:54,148,419, plus strand): 5'-CTCCCTATGCCCAGGCTGTGGCCCCACCAGCTCCCAGTGGGCCCAGCACGACCCAGCCCC[G>A]GCCCCCCAGCGTCCAGCCTAGCGGAGGCGGAGGCGGCGGCAGCGGAGGCGGAGGGAGCAG-3'
Protein context (NP_055331.1, residues 379-399): APSGPSTTQP[Arg389Gln]PPSVQPSGGG

ClinVar aggregate classification (germline): Uncertain significance (1 of 4 stars; one submission).

Conditions:
Intellectual developmental disorder with speech delay, autism, and dysmorphic facies. Identifiers: MedGen C5231456, MONDO:0032864, OMIM 618672.

Submission:

Laboratorio de Genetica e Diagnostico Molecular, Hospital Israelita Albert Einstein
Classification: Uncertain significance for Intellectual developmental disorder with speech delay, autism, and dysmorphic facies. Last evaluated: 2022-08-05. Review status: criteria provided, single submitter. Criteria: ACMG Guidelines, 2015. Collection method: clinical testing. Allele origin: germline. Affected: yes.
Comment: ACMG classification criteria: BP4 supporting